The following is an entry in ClinVar:

NM_006218.4(PIK3CA):c.2948T>A (p.Met983Lys)

Gene: PIK3CA (phosphatidylinositol-4,5-bisphosphate 3-kinase catalytic subunit alpha; plus strand). Cytogenetic location: 3q26.32.
Variant type: single nucleotide variant.
Coding change: c.2948T>A on transcript NM_006218.4 (MANE Select); coding-DNA position 2948, T replaced by A.
Protein change: p.Met983Lys; replaces methionine 983 with lysine.
Molecular consequence: missense variant.
Genome position (GRCh38, 1-based): chr3:179,234,105, T>A. VCF-style: chr3-179234105-T-A. GRCh37 (hg19) VCF-style: chr3-178951893-T-A.
Other names: short protein forms M983K.
Identifiers: ClinVar variation 1913713 (VCV001913713.5), dbSNP rs1272870037, ClinGen allele CA355284382.
Genomic context (GRCh38, chr3:179,234,105, plus strand): 5'-ATTAACATCATTTGCTCCAAACTGACCAAACTGTTCTTATTACTTATAGGTTTCAGGAGA[T>A]GTGTTACAAGGCTTATCTAGCTATTCGACAGCATGCCAATCTCTTCATAAATCTTTTCTC-3'
Protein context (NP_006209.2, residues 973-993): KTREFERFQE[Met983Lys]CYKAYLAIRQ

ClinVar aggregate classification (germline): Uncertain significance (1 of 4 stars; one submission).

Conditions:
Cowden syndrome (CS). Also called: Cowden's disease; Cowden's syndrome; Cowden disease. Identifiers: Orphanet 201, MedGen C0018553, MONDO:0016063. Disease mechanism: gain of function.

Allele frequency attached by ClinVar (database versions not stated): TOPMed 0.00001.

Submission:

Labcorp Genetics (formerly Invitae), Labcorp
Classification: Uncertain significance for Cowden syndrome. Last evaluated: 2023-09-12. Review status: criteria provided, single submitter. Criteria: Invitae Variant Classification Sherloc (09022015). Collection method: clinical testing. Allele origin: germline.
Comment: In summary, the available evidence is currently insufficient to determine the role of this variant in disease. Therefore, it has been classified as a Variant of Uncertain Significance. Advanced modeling of protein sequence and biophysical properties (such as structural, functional, and spatial information, amino acid conservation, physicochemical variation, residue mobility, and thermodynamic stability) has been performed at Invitae for this missense variant, however the output from this modeling did not meet the statistical confidence thresholds required to predict the impact of this variant on PIK3CA protein function. ClinVar contains an entry for this variant (Variation ID: 1913713). This variant has not been reported in the literature in individuals affected with PIK3CA-related conditions. This variant is not present in population databases (gnomAD no frequency). This sequence change replaces methionine, which is neutral and non-polar, with lysine, which is basic and polar, at codon 983 of the PIK3CA protein (p.Met983Lys).